The following is an entry in ClinVar:

NM_001368894.2(PAX6):c.184-5T>G

Gene: PAX6 (paired box 6; minus strand). Cytogenetic location: 11p13.
Variant type: single nucleotide variant.
Coding change: c.184-5T>G on transcript NM_001368894.2 (MANE Select); 5 bases into the intron before coding-DNA position 184, T replaced by G.
Molecular consequence: intron variant.
Genome position (GRCh38, 1-based): chr11:31,801,781, A>C on the plus strand (T>G on the coding strand, the complement: PAX6 is on the minus strand). VCF-style: chr11-31801781-A-C. GRCh37 (hg19) VCF-style: chr11-31823329-A-C.
Other names: c.142-5T>G (NM_001127612.3, NM_001368890.2, NM_001368888.2 and 11 more transcripts); c.184-5T>G (NM_001368921.2, NM_001368923.2, NM_001258462.3 and 13 more transcripts); c.259-5T>G (NM_001368919.2, NM_001368918.2); c.385-5T>G (NM_001368910.2); c.-267-5T>G (NM_001368909.2, NM_001368904.2, NM_001368906.2 and 8 more transcripts); c.187-5T>G (NM_001368911.2); c.-598-5T>G (NM_001368905.2, NM_001310160.2, NM_001368902.2); c.217-5T>G (NM_001368920.2).
Identifiers: ClinVar variation 430981 (VCV000430981.6), dbSNP rs1131692292, ClinGen allele CA645372131.

ClinVar aggregate classification (germline): Pathogenic. Review status: criteria provided, single submitter (1 of 4 stars). 2 submissions from 2 submitters: Pathogenic (1). 1 of the submissions does not count toward it. Last evaluated 2023-11-08.

Conditions:
Aniridia 1 (AN1). Identifiers: Orphanet 250923, MedGen C0344542, MONDO:0024507, OMIM 106210.
Irido-corneo-trabecular dysgenesis (ASGD5). Also called: ANTERIOR SEGMENT DYSGENESIS 5. Identifiers: Orphanet 708, MedGen C0344559, MONDO:0011414, OMIM 604229, HP:0000659.

Submissions (2):

Labcorp Genetics (formerly Invitae), Labcorp
Classification: Pathogenic for Aniridia 1; Irido-corneo-trabecular dysgenesis. Last evaluated: 2023-11-08. Review status: criteria provided, single submitter. Criteria: Invitae Variant Classification Sherloc (09022015). Collection method: clinical testing. Allele origin: germline.
Comment: This sequence change falls in intron 5 of the PAX6 gene. It does not directly change the encoded amino acid sequence of the PAX6 protein. This variant is not present in population databases (gnomAD no frequency). This variant has been observed in individual(s) with aniridia (PMID: 28321846; Invitae). ClinVar contains an entry for this variant (Variation ID: 430981). Studies have shown that this variant is associated with altered splicing resulting in multiple RNA products (PMID: 30315214). For these reasons, this variant has been classified as Pathogenic.

Laboratory of Genetic Epidemiology, Research Centre for Medical Genetics
Classification: Likely pathogenic for Aniridia 1. Review status: no assertion criteria provided. Collection method: research. Allele origin: maternal. Inheritance: Autosomal dominant inheritance. Affected: yes. Observed: 1 heterozygote. Not counted in ClinVar's aggregate classification.

Literature cited by the submitters: PubMed 28321846 (cited by Labcorp Genetics (formerly Invitae), Labcorp and Laboratory of Genetic Epidemiology, Research Centre for Medical Genetics); PubMed 30315214 (cited by Labcorp Genetics (formerly Invitae), Labcorp).